The following is an entry in ClinVar:

ClinVar aggregate classification (germline): not provided (0 of 4 stars; one submission).

Conditions:
Familial long QT syndrome (RWS). Also called: Congenital long QT syndrome; Romano-Ward syndrome; VENTRICULAR FIBRILLATION WITH PROLONGED QT INTERVAL. Identifiers: Orphanet 768, MedGen C1141890, MONDO:0019171.

Allele frequency attached by ClinVar (database versions not stated): gnomAD exomes below 0.00001.
gnomAD v4.1: 1 of 1,614,098 alleles (0.000062%); highest among the groups gnomAD compares: Non-Finnish European, 0.000085%; no homozygotes.

Submission:

Cardiovascular Biomedical Research Unit, Royal Brompton & Harefield NHS Foundation Trust
No classification provided. Condition: Familial long QT syndrome. Review status: no classification provided. Collection method: literature only. Allele origin: germline.
Comment: This variant has been reported in the following publications (PMID:21640645).

Literature cited by the submitters: PubMed 21640645; PubMed 22581653.

NM_000891.3(KCNJ2):c.899G>C (p.Gly300Ala)

Gene: KCNJ2 (potassium inwardly rectifying channel subfamily J member 2; plus strand). Cytogenetic location: 17q24.3.
Variant type: single nucleotide variant.
Coding change: c.899G>C on transcript NM_000891.3 (MANE Select); coding-DNA position 899, G replaced by C.
Protein change: p.Gly300Ala; replaces glycine 300 with alanine.
Molecular consequence: missense variant.
Genome position (GRCh38, 1-based): chr17:70,175,938, G>C. VCF-style: chr17-70175938-G-C. GRCh37 (hg19) VCF-style: chr17-68172079-G-C.
Other names: c.899G>C (LRG_328t1); short protein forms G300A.
Identifiers: ClinVar variation 67589 (VCV000067589.1), dbSNP rs104894579, ClinGen allele CA329705.
Genomic context (GRCh38, chr17:70,175,938, plus strand): 5'-ATGATTTGAGTAAACAGGACATTGACAACGCAGACTTTGAAATCGTGGTCATACTGGAAG[G>C]CATGGTGGAAGCCACTGCCATGACGACACAGTGCCGTAGCTCTTATCTAGCAAATGAAAT-3'
Protein context (NP_000882.1, residues 290-310): ADFEIVVILE[Gly300Ala]MVEATAMTTQ